The following is an entry in ClinVar:

ClinVar aggregate classification (germline): Uncertain significance. Review status: criteria provided, multiple submitters, no conflicts (2 of 4 stars). 3 submissions from 3 submitters: Uncertain significance (2). 1 of the submissions does not count toward it. Last evaluated 2025-09-14.

Conditions:
Hereditary cancer-predisposing syndrome. Also called: Neoplastic Syndromes, Hereditary; Tumor predisposition; Hereditary Cancer Syndrome; Hereditary neoplastic syndrome. Identifiers: Orphanet 140162, MedGen C0027672, MeSH D009386, MONDO:0015356.
Bloom syndrome (BLM). Also called: Bloom-Torre-Machacek syndrome. Identifiers: Orphanet 125, MedGen C0005859, MONDO:0008876, OMIM 210900.

Allele frequency attached by ClinVar (database versions not stated): gnomAD exomes below 0.00001; ExAC 0.00001; gnomAD 0.00003 and 0.00004; TOPMed 0.00004; ESP Exome Variant Server 0.00008.
gnomAD v4.1: 7 of 1,613,780 alleles (0.00043%); highest among the groups gnomAD compares: African/African-American, 0.008%; no homozygotes.

Submissions (3):

Labcorp Genetics (formerly Invitae), Labcorp
Classification: Uncertain significance for Bloom syndrome. Last evaluated: 2025-09-14. Review status: criteria provided, single submitter. Criteria: Invitae Variant Classification Sherloc (09022015). Collection method: clinical testing. Allele origin: germline.
Comment: This sequence change replaces threonine, which is neutral and polar, with asparagine, which is neutral and polar, at codon 472 of the BLM protein (p.Thr472Asn). This variant is present in population databases (rs368967327, gnomAD 0.01%). This variant has not been reported in the literature in individuals affected with BLM-related conditions. ClinVar contains an entry for this variant (Variation ID: 648816). Invitae Evidence Modeling of protein sequence and biophysical properties (such as structural, functional, and spatial information, amino acid conservation, physicochemical variation, residue mobility, and thermodynamic stability) indicates that this missense variant is not expected to disrupt BLM protein function with a negative predictive value of 80%. In summary, the available evidence is currently insufficient to determine the role of this variant in disease. Therefore, it has been classified as a Variant of Uncertain Significance.

Ambry Genetics
Classification: Uncertain significance for Hereditary cancer-predisposing syndrome. Last evaluated: 2025-08-01. Review status: criteria provided, single submitter. Criteria: Ambry Variant Classification Scheme 2023. Collection method: clinical testing. Allele origin: germline.

Natera, Inc.
Classification: Uncertain significance for Bloom syndrome. Last evaluated: 2021-07-30. Review status: no assertion criteria provided. Collection method: clinical testing. Allele origin: germline. Not counted in ClinVar's aggregate classification.

NM_000057.4(BLM):c.1415C>A (p.Thr472Asn)

Gene: BLM (BLM RecQ like helicase; plus strand). Cytogenetic location: 15q26.1.
Variant type: single nucleotide variant.
Coding change: c.1415C>A on transcript NM_000057.4 (MANE Select); coding-DNA position 1415, C replaced by A.
Protein change: p.Thr472Asn; replaces threonine 472 with asparagine.
Molecular consequence: missense variant.
Genome position (GRCh38, 1-based): chr15:90,760,788, C>A. VCF-style: chr15-90760788-C-A. GRCh37 (hg19) VCF-style: chr15-91304018-C-A.
Other names: c.1415C>A, p.Thr472Asn (NM_001287246.2, NM_001287247.2); c.290C>A, p.Thr97Asn (NM_001287248.2); c.1415C>A (NM_000057.2); short protein forms T97N, T472N.
Identifiers: ClinVar variation 648816 (VCV000648816.14), dbSNP rs368967327, ClinGen allele CA7738532.